The following is an entry in ClinVar:

NM_020631.6(PLEKHG5):c.2127T>A (p.Asp709Glu)

Gene: PLEKHG5 (pleckstrin homology and RhoGEF domain containing G5; minus strand). Cytogenetic location: 1p36.31.
Variant type: single nucleotide variant.
Coding change: c.2127T>A on transcript NM_020631.6 (MANE Select); coding-DNA position 2127, T replaced by A.
Protein change: p.Asp709Glu; replaces aspartic acid 709 with glutamic acid.
Molecular consequence: missense variant.
Genome position (GRCh38, 1-based): chr1:6,469,164, A>T on the plus strand (T>A on the coding strand, the complement: PLEKHG5 is on the minus strand). VCF-style: chr1-6469164-A-T. GRCh37 (hg19) VCF-style: chr1-6529224-A-T.
Other names: c.2238T>A, p.Asp746Glu (NM_001042663.3, NM_001265592.2); c.2127T>A, p.Asp709Glu (NM_001042664.2, NM_001042665.2, NM_001265594.3 and 1 more transcripts); c.2334T>A, p.Asp778Glu (NM_001265593.2); short protein forms D709E, D746E, D778E.
Identifiers: ClinVar variation 1054411 (VCV001054411.10), dbSNP rs910994587, ClinGen allele CA17234975.

ClinVar aggregate classification (germline): Uncertain significance. Review status: criteria provided, multiple submitters, no conflicts (2 of 4 stars). 2 submissions from 2 submitters: Uncertain significance (2). Last evaluated 2022-11-17.

Conditions:
Charcot-Marie-Tooth disease recessive intermediate C. Also called: CHARCOT-MARIE-TOOTH NEUROPATHY, RECESSIVE INTERMEDIATE C. Identifiers: Orphanet 369867, MedGen C3809309, MONDO:0014154, OMIM 615376.
Neuronopathy, distal hereditary motor, autosomal recessive 4. Also called: NEUROPATHY, DISTAL HEREDITARY MOTOR, AUTOSOMAL RECESSIVE 4; Autosomal recessive lower motor neuron disease with childhood onset. Identifiers: Orphanet 206580, MedGen C1970211, MONDO:0012608, OMIM 611067.
Inborn genetic diseases. Identifiers: MedGen C0950123, MeSH D030342.

Allele frequency attached by ClinVar (database versions not stated): gnomAD exomes below 0.00001 and 0.00001.
gnomAD v4.1: 4 of 1,611,864 alleles (0.00025%); highest among the groups gnomAD compares: Non-Finnish European, 0.00025%; no homozygotes.

Submissions (2):

Ambry Genetics
Classification: Uncertain significance for Inborn genetic diseases. Last evaluated: 2022-11-17. Review status: criteria provided, single submitter. Criteria: Ambry Variant Classification Scheme 2023. Collection method: clinical testing. Allele origin: germline.

Labcorp Genetics (formerly Invitae), Labcorp
Classification: Uncertain significance for Neuronopathy, distal hereditary motor, autosomal recessive 4; Charcot-Marie-Tooth disease recessive intermediate C. Last evaluated: 2021-08-27. Review status: criteria provided, single submitter. Criteria: Invitae Variant Classification Sherloc (09022015). Collection method: clinical testing. Allele origin: germline.
Comment: This sequence change replaces aspartic acid with glutamic acid at codon 709 of the PLEKHG5 protein (p.Asp709Glu). The aspartic acid residue is weakly conserved and there is a small physicochemical difference between aspartic acid and glutamic acid. This variant is not present in population databases (ExAC no frequency). This variant has not been reported in the literature in individuals affected with PLEKHG5-related conditions. Algorithms developed to predict the effect of missense changes on protein structure and function output the following: SIFT: "Tolerated"; PolyPhen-2: "Benign"; Align-GVGD: "Class C0". The glutamic acid amino acid residue is found in multiple mammalian species, which suggests that this missense change does not adversely affect protein function. In summary, the available evidence is currently insufficient to determine the role of this variant in disease. Therefore, it has been classified as a Variant of Uncertain Significance.